The following is an entry in ClinVar:

NM_000553.6(WRN):c.724+513A>G

Gene: WRN (WRN RecQ like helicase; plus strand). Cytogenetic location: 8p12.
Variant type: single nucleotide variant.
Coding change: c.724+513A>G on transcript NM_000553.6 (MANE Select); 513 bases into the intron after coding-DNA position 724, A replaced by G.
Molecular consequence: intron variant.
Genome position (GRCh38, 1-based): chr8:31,068,840, A>G. VCF-style: chr8-31068840-A-G. GRCh37 (hg19) VCF-style: chr8-30926356-A-G.
Identifiers: ClinVar variation 2105913 (VCV002105913.4), dbSNP rs2535890221, ClinGen allele CA2580078167.

ClinVar aggregate classification (germline): Likely pathogenic (1 of 4 stars; one submission).

Conditions:
Werner syndrome (WRN). Identifiers: Orphanet 902, MedGen C0043119, MONDO:0010196, OMIM 277700.

Submission:

Labcorp Genetics (formerly Invitae), Labcorp
Classification: Likely pathogenic for Werner syndrome. Last evaluated: 2024-04-22. Review status: criteria provided, single submitter. Criteria: Invitae Variant Classification Sherloc (09022015). Collection method: clinical testing. Allele origin: germline.
Comment: This sequence change falls in intron 7 of the WRN gene. It does not directly change the encoded amino acid sequence of the WRN protein. RNA analysis indicates that this variant induces altered splicing and may result in an absent or disrupted protein product. This variant is not present in population databases (gnomAD no frequency). This variant has not been reported in the literature in individuals affected with WRN-related conditions. ClinVar contains an entry for this variant (Variation ID: 2105913). Studies have shown that this variant results in activation of a cryptic splice site and introduces a premature termination codon (Invitae). The resulting mRNA is expected to undergo nonsense-mediated decay. In summary, the currently available evidence indicates that the variant is pathogenic, but additional data are needed to prove that conclusively. Therefore, this variant has been classified as Likely Pathogenic.